The following is an entry in ClinVar:

ClinVar aggregate classification (germline): Uncertain significance (1 of 4 stars; one submission).

Conditions:
Immunodeficiency. Identifiers: MedGen C0021051, MONDO:0021094, HP:0002721.

Allele frequency attached by ClinVar (database versions not stated): gnomAD exomes below 0.00001.
gnomAD v4.1: 1 of 1,597,850 alleles (0.000063%); highest among the groups gnomAD compares: Non-Finnish European, 0.000085%; no homozygotes.

Submission:

Labcorp Genetics (formerly Invitae), Labcorp
Classification: Uncertain significance for Immunodeficiency. Last evaluated: 2023-03-08. Review status: criteria provided, single submitter. Criteria: Invitae Variant Classification Sherloc (09022015). Collection method: clinical testing. Allele origin: germline.
Comment: In summary, the available evidence is currently insufficient to determine the role of this variant in disease. Therefore, it has been classified as a Variant of Uncertain Significance. An algorithm developed to predict the effect of missense changes on protein structure and function (PolyPhen-2) suggests that this variant is likely to be tolerated. This variant has not been reported in the literature in individuals affected with NFAT5-related conditions. This variant is not present in population databases (gnomAD no frequency). This sequence change replaces lysine, which is basic and polar, with arginine, which is basic and polar, at codon 189 of the NFAT5 protein (p.Lys189Arg).

NM_138713.4(NFAT5):c.848A>G (p.Lys283Arg)

Gene: NFAT5 (nuclear factor of activated T cells 5; plus strand). Cytogenetic location: 16q22.1.
Variant type: single nucleotide variant.
Coding change: c.848A>G on transcript NM_138713.4 (MANE Select); coding-DNA position 848, A replaced by G.
Protein change: p.Lys283Arg; replaces lysine 283 with arginine.
Molecular consequence: missense variant.
Genome position (GRCh38, 1-based): chr16:69,653,271, A>G. VCF-style: chr16-69653271-A-G. GRCh37 (hg19) VCF-style: chr16-69687174-A-G.
Other names: c.566A>G, p.Lys189Arg (NM_138714.4, NM_173214.3, NM_173215.3); c.848A>G, p.Lys283Arg (NM_001113178.3); c.176A>G, p.Lys59Arg (NM_001367709.1); c.794A>G, p.Lys265Arg (NM_006599.4); short protein forms K265R, K59R, K283R, K189R.
Identifiers: ClinVar variation 2841964 (VCV002841964.3), dbSNP rs2543968764, ClinGen allele CA396489123.
Genomic context (GRCh38, chr16:69,653,271, plus strand): 5'-TCCATGTTGTGCTTTGATTTCTCAGAACATTGGAAAACCAAAAAGGAACTGGAGTAAAGA[A>G]GAGCCCTATGTTGTGTGGACAATATCCTGTTAAAAGTGAGGGAAAGGAGCTGAAGATAGT-3'
Protein context (NP_619727.2, residues 273-293): LENQKGTGVK[Lys283Arg]SPMLCGQYPV